The following is an entry in ClinVar:

ClinVar aggregate classification (germline): Uncertain significance (1 of 4 stars; one submission).

Conditions:
Wilms tumor 1 (WT1). Also called: Wilms tumor, somatic. Identifiers: Orphanet 654, MedGen CN033288, MONDO:0008679, OMIM 194070.

Allele frequency attached by ClinVar (database versions not stated): gnomAD exomes below 0.00001.
gnomAD v4.1: 6 of 1,189,685 alleles (0.0005%); highest among the groups gnomAD compares: Non-Finnish European, 0.00034%; no homozygotes.

Submission:

Labcorp Genetics (formerly Invitae), Labcorp
Classification: Uncertain significance for Wilms tumor 1. Last evaluated: 2024-03-15. Review status: criteria provided, single submitter. Criteria: Invitae Variant Classification Sherloc (09022015). Collection method: clinical testing. Allele origin: germline.
Comment: This sequence change replaces serine, which is neutral and polar, with cysteine, which is neutral and slightly polar, at codon 17 of the GPC3 protein (p.Ser17Cys). This variant is not present in population databases (gnomAD no frequency). This variant has not been reported in the literature in individuals affected with GPC3-related conditions. ClinVar contains an entry for this variant (Variation ID: 834354). Algorithms developed to predict the effect of missense changes on protein structure and function output the following: SIFT: "Not Available"; PolyPhen-2: "Possibly Damaging"; Align-GVGD: "Not Available". The cysteine amino acid residue is found in multiple mammalian species, which suggests that this missense change does not adversely affect protein function. In summary, the available evidence is currently insufficient to determine the role of this variant in disease. Therefore, it has been classified as a Variant of Uncertain Significance.

NM_004484.4(GPC3):c.49A>T (p.Ser17Cys)

Gene: GPC3 (glypican 3; minus strand). Cytogenetic location: Xq26.2.
Variant type: single nucleotide variant.
Coding change: c.49A>T on transcript NM_004484.4 (MANE Select); coding-DNA position 49, A replaced by T.
Protein change: p.Ser17Cys; replaces serine 17 with cysteine.
Molecular consequence: missense variant.
Genome position (GRCh38, 1-based): chrX:133,985,401, T>A on the plus strand (A>T on the coding strand, the complement: GPC3 is on the minus strand). VCF-style: chrX-133985401-T-A. GRCh37 (hg19) VCF-style: chrX-133119428-T-A.
Other names: c.49A>T, p.Ser17Cys (NM_001164617.2, NM_001164618.2, NM_001164619.2); short protein forms S17C.
Identifiers: ClinVar variation 834354 (VCV000834354.8), dbSNP rs2076563807, ClinGen allele CA414707149.